The following is an entry in ClinVar:

ClinVar aggregate classification (germline): Pathogenic (1 of 4 stars; one submission).

Conditions:
Tuberous sclerosis 1 (TSC1). Identifiers: Orphanet 805, MedGen C1854465, MONDO:0008612, OMIM 191100.

Submission:

Labcorp Genetics (formerly Invitae), Labcorp
Classification: Pathogenic for Tuberous sclerosis 1. Last evaluated: 2021-02-11. Review status: criteria provided, single submitter. Criteria: Invitae Variant Classification Sherloc (09022015). Collection method: clinical testing. Allele origin: germline.
Comment: For these reasons, this variant has been classified as Pathogenic. This variant has not been reported in the literature in individuals with TSC1-related conditions. This variant is not present in population databases (ExAC no frequency). This sequence change creates a premature translational stop signal (p.Ser163Hisfs*4) in the TSC1 gene. It is expected to result in an absent or disrupted protein product. Loss-of-function variants in TSC1 are known to be pathogenic (PMID: 10227394, 17304050).

Literature cited by the submitters: PubMed 10227394; PubMed 17304050.

NM_000368.5(TSC1):c.486del (p.Ser163fs)

Gene: TSC1 (TSC complex subunit 1; minus strand). Cytogenetic location: 9q34.13.
Variant type: Deletion.
Coding change: c.486del on transcript NM_000368.5 (MANE Select); coding-DNA position 486, one base deleted (A; older notation c.486delA).
Protein change: p.Ser163fs; shifts the reading frame from serine 163.
Molecular consequence: frameshift variant.
Genome position (GRCh38, 1-based): chr9:132,923,370, T deleted on the plus strand (A on the coding strand, the reverse complement: TSC1 is on the minus strand). VCF-style (leftmost placement, unchanged base first): chr9-132923369-AT-A. GRCh37 (hg19) VCF-style: chr9-135798756-AT-A.
Other names: c.486del, p.Ser163fs (NM_001162426.2); c.333del, p.Ser112fs (NM_001162427.2); c.123del, p.Ser42fs (NM_001362177.2); short protein forms S112fs, S42fs, S163fs.
Identifiers: ClinVar variation 1412176 (VCV001412176.6), dbSNP rs2132187252, ClinGen allele CA2573144203.